The following is an entry in ClinVar:

NM_006514.4(SCN10A):c.3911C>T (p.Ala1304Val)

Gene: SCN10A (sodium voltage-gated channel alpha subunit 10; minus strand). Cytogenetic location: 3p22.2.
Variant type: single nucleotide variant.
Coding change: c.3911C>T on transcript NM_006514.4 (MANE Select); coding-DNA position 3911, C replaced by T.
Protein change: p.Ala1304Val; replaces alanine 1304 with valine.
Molecular consequence: missense variant.
Genome position (GRCh38, 1-based): chr3:38,712,339, G>A on the plus strand (C>T on the coding strand, the complement: SCN10A is on the minus strand). VCF-style: chr3-38712339-G-A. GRCh37 (hg19) VCF-style: chr3-38753830-G-A.
Other names: c.3908C>T, p.Ala1303Val (NM_001293306.2); c.3617C>T, p.Ala1206Val (NM_001293307.2); short protein forms A1206V, A1303V, A1304V.
Identifiers: ClinVar variation 2604860 (VCV002604860.2), dbSNP rs2470603015, ClinGen allele CA352151191.

ClinVar aggregate classification (germline): Uncertain significance (1 of 4 stars; one submission).

Conditions:
Cardiovascular phenotype. Identifiers: MedGen CN230736.

Submission:

Ambry Genetics
Classification: Uncertain significance for Cardiovascular phenotype. Last evaluated: 2023-06-22. Review status: criteria provided, single submitter. Criteria: Ambry Variant Classification Scheme 2023. Collection method: clinical testing. Allele origin: germline.
Comment: Does not currently meet published gene-disease clinical validity criteria Based on insufficient or conflicting evidence, the clinical significance of this alteration remains unclear.

Literature cited by the submitters: PubMed 28106320.